The following is an entry in ClinVar:

NM_022124.6(CDH23):c.4625G>A (p.Gly1542Asp)

Gene: CDH23 (cadherin related 23; plus strand). Cytogenetic location: 10q22.1.
Variant type: single nucleotide variant.
Coding change: c.4625G>A on transcript NM_022124.6 (MANE Select); coding-DNA position 4625, G replaced by A.
Protein change: p.Gly1542Asp; replaces glycine 1542 with aspartic acid.
Molecular consequence: missense variant.
Genome position (GRCh38, 1-based): chr10:71,741,701, G>A. VCF-style: chr10-71741701-G-A. GRCh37 (hg19) VCF-style: chr10-73501458-G-A.
Other names: c.4625G>A (NM_022124.5); short protein forms G1542D.
Identifiers: ClinVar variation 493075 (VCV000493075.48), dbSNP rs781339262, ClinGen allele CA5545115.

ClinVar aggregate classification (germline): Uncertain significance. Review status: criteria provided, multiple submitters, no conflicts (2 of 4 stars). 6 submissions from 6 submitters: Uncertain significance (6). Last evaluated 2025-09-17.

Conditions:
CDH23-related disorder. Also called: CDH23-related disorders; CDH23-related condition.
Autosomal recessive nonsyndromic hearing loss 12. Also called: DEAFNESS, AUTOSOMAL RECESSIVE 12. Identifiers: Orphanet 90636, MedGen C1832394, MONDO:0011067, OMIM 601386.
Usher syndrome type 1D (USH1D). Also called: USHER SYNDROME, TYPE ID. Identifiers: Orphanet 231169, Orphanet 886, MedGen C1832845, MONDO:0010984, OMIM 601067.
Pituitary adenoma 5, multiple types. Identifiers: MedGen C4539685, MONDO:0054601, OMIM 617540.

Allele frequency attached by ClinVar (database versions not stated): TOPMed 0.00004; gnomAD exomes 0.00006.
gnomAD v4.1: 110 of 1,608,182 alleles (0.0068%); highest among the groups gnomAD compares: Non-Finnish European, 0.0057%; 1 homozygote.

Submissions (6):

PreventionGenetics, part of Exact Sciences
Classification: Uncertain significance for CDH23-related condition. Last evaluated: 2025-09-17. Review status: criteria provided, single submitter. Criteria: ACMG Guidelines, 2015. Collection method: clinical testing. Allele origin: germline.
Comment: The CDH23 c.4625G>A variant is predicted to result in the amino acid substitution p.Gly1542Asp. This variant was reported, along with a second missense variant, in an individual with hearing loss (Cesca et al. 2020. PubMed ID: 32467589). This variant is reported in 0.050% of alleles in individuals of Ashkenazi Jewish descent in gnomAD. At this time, the clinical significance of this variant is uncertain due to the absence of conclusive functional and genetic evidence.

Blueprint Genetics
Classification: Uncertain significance. Last evaluated: 2024-10-24. Review status: criteria provided, single submitter. Criteria: ACMG Guidelines, 2015. Collection method: clinical testing. Allele origin: germline.

GeneDx
Classification: Uncertain significance. Last evaluated: 2024-10-24. Review status: criteria provided, single submitter. Criteria: GeneDx Variant Classification Process June 2021. Collection method: clinical testing. Allele origin: germline. Affected: yes.
Comment: Observed with a second variant (phase unknown) in a patient with asymmetric postlingual hearing loss in published literature (PMID: 32467589); In silico analysis supports that this missense variant has a deleterious effect on protein structure/function; This variant is associated with the following publications: (PMID: 32467589)

Fulgent Genetics
Classification: Uncertain significance for Usher syndrome type 1D; Autosomal recessive nonsyndromic hearing loss 12; Pituitary adenoma 5, multiple types. Last evaluated: 2022-02-01. Review status: criteria provided, single submitter. Criteria: ACMG Guidelines, 2015. Collection method: clinical testing. Allele origin: unknown.

Labcorp Genetics (formerly Invitae), Labcorp
Classification: Uncertain significance. Last evaluated: 2021-10-20. Review status: criteria provided, single submitter. Criteria: Invitae Variant Classification Sherloc (09022015). Collection method: clinical testing. Allele origin: germline.
Comment: This sequence change replaces glycine with aspartic acid at codon 1542 of the CDH23 protein (p.Gly1542Asp). The glycine residue is highly conserved and there is a moderate physicochemical difference between glycine and aspartic acid. This variant is present in population databases (rs781339262, ExAC 0.02%). This variant has been observed in individual(s) with deafness (PMID: 32467589). ClinVar contains an entry for this variant (Variation ID: 493075). Algorithms developed to predict the effect of missense changes on protein structure and function are either unavailable or do not agree on the potential impact of this missense change (SIFT: "Deleterious"; PolyPhen-2: "Not Available"; Align-GVGD: "Class C65"). In summary, the available evidence is currently insufficient to determine the role of this variant in disease. Therefore, it has been classified as a Variant of Uncertain Significance.

CeGaT Center for Human Genetics Tuebingen
Classification: Uncertain significance. Last evaluated: 2017-09-01. Review status: criteria provided, single submitter. Criteria: CeGaT Center For Human Genetics Tuebingen Variant Classification Criteria Version 2. Collection method: clinical testing. Allele origin: germline. Affected: yes. Observed: 1 variant allele.

Literature cited by the submitters: PubMed 32467589 (cited by Labcorp Genetics (formerly Invitae), Labcorp).